The following is an entry in ClinVar:

NM_032119.4(ADGRV1):c.12592G>A (p.Val4198Met)

Gene: ADGRV1 (adhesion G protein-coupled receptor V1; plus strand). Cytogenetic location: 5q14.3.
Variant type: single nucleotide variant.
Coding change: c.12592G>A on transcript NM_032119.4 (MANE Select); coding-DNA position 12592, G replaced by A.
Protein change: p.Val4198Met; replaces valine 4198 with methionine.
Molecular consequence: missense variant. On other transcripts: non-coding transcript variant (1).
Genome position (GRCh38, 1-based): chr5:90,777,969, G>A. VCF-style: chr5-90777969-G-A. GRCh37 (hg19) VCF-style: chr5-90073786-G-A.
Other names: short protein forms V4198M.
Identifiers: ClinVar variation 46262 (VCV000046262.24), dbSNP rs2460169, ClinGen allele CA138015.

ClinVar aggregate classification (germline): Benign. Review status: criteria provided, multiple submitters, no conflicts (2 of 4 stars). 8 submissions from 8 submitters: Benign (7). 1 of the submissions does not count toward it. Last evaluated 2026-02-02.

Conditions:
Usher syndrome type 2C. Also called: Usher syndrome, type 2B; USHER SYNDROME, TYPE IIC. Identifiers: Orphanet 231178, Orphanet 886, MedGen C2931213, MONDO:0011558, OMIM 605472.

Allele frequency attached by ClinVar (database versions not stated): gnomAD 0.01775 and 0.01906; ESP Exome Variant Server 0.01820; TOPMed 0.01957; 1000 Genomes Project 0.02057; 1000 Genomes Project 30x 0.02077.

Submissions (8):

Labcorp Genetics (formerly Invitae), Labcorp
Classification: Benign. Last evaluated: 2026-02-02. Review status: criteria provided, single submitter. Criteria: Invitae Variant Classification Sherloc (09022015). Collection method: clinical testing. Allele origin: germline.

Illumina Laboratory Services, Illumina
Classification: Benign for Usher syndrome type 2C. Last evaluated: 2018-01-13. Review status: criteria provided, single submitter. Criteria: ICSL Variant Classification Criteria 13 December 2019. Collection method: clinical testing. Allele origin: germline.
Comment: This variant was observed in the ICSL laboratory as part of a predisposition screen in an ostensibly healthy population. It had not been previously curated by ICSL or reported in the Human Gene Mutation Database (HGMD: prior to June 1st, 2018), and was therefore a candidate for classification through an automated scoring system. Utilizing variant allele frequency, disease prevalence and penetrance estimates, and inheritance mode, an automated score was calculated to assess if this variant is too frequent to cause the disease. Based on the score and internal cut-off values, a variant classified as benign is not then subjected to further curation. The score for this variant resulted in a classification of benign for this disease.

Athena Diagnostics
Classification: Benign. Last evaluated: 2017-09-14. Review status: criteria provided, single submitter. Criteria: Athena Diagnostics Criteria. Collection method: clinical testing. Allele origin: germline.

GeneDx
Classification: Benign. Last evaluated: 2016-06-23. Review status: criteria provided, single submitter. Criteria: GeneDx Variant Classification (06012015). Collection method: clinical testing. Allele origin: germline. Affected: yes.
Comment: This variant is considered likely benign or benign based on one or more of the following criteria: it is a conservative change, it occurs at a poorly conserved position in the protein, it is predicted to be benign by multiple in silico algorithms, and/or has population frequency not consistent with disease.

Center for Pediatric Genomic Medicine, Children's Mercy Hospital and Clinics
Classification: Benign. Last evaluated: 2015-05-21. Review status: criteria provided, single submitter. Criteria: ACMG Guidelines, 2015. Collection method: clinical testing. Allele origin: germline.

Laboratory for Molecular Medicine, Mass General Brigham Personalized Medicine
Classification: Benign. Last evaluated: 2012-05-07. Review status: criteria provided, single submitter. Criteria: LMM Criteria. Collection method: clinical testing. Allele origin: germline. Observed: 31 variant alleles.
Comment: Val4198Met in Exon 62 of GPR98: This variant is not expected to have clinical si gnificance because it has been identified in 5.4% (168/3106) of African American chromosomes from a broad population by the NHLBI Exome Sequencing Project (dbSNP rs2460169).

PreventionGenetics, part of Exact Sciences
Classification: Benign. Review status: criteria provided, single submitter. Criteria: ACMG Guidelines, 2015. Collection method: clinical testing. Allele origin: germline.

Genetic Services Laboratory, University of Chicago
Classification: Likely benign. Review status: no assertion criteria provided. Collection method: clinical testing. Allele origin: germline. Inheritance: Autosomal dominant inheritance. Not counted in ClinVar's aggregate classification.
Comment: Likely benign based on allele frequency in 1000 Genomes Project or ESP global frequency and its presence in a patient with a rare or unrelated disease phenotype. NOT Sanger confirmed